The following is an entry in ClinVar:

ClinVar aggregate classification (germline): Benign. Review status: criteria provided, multiple submitters, no conflicts (2 of 4 stars). 2 submissions from 2 submitters: Benign (2). Last evaluated 2018-01-12.

Conditions:
Epidermolysis bullosa simplex due to plakophilin deficiency. Also called: MCGRATH SYNDROME. Identifiers: Orphanet 158668, MedGen C1858302, MONDO:0011472, OMIM 604536.

Allele frequency attached by ClinVar (database versions not stated): 1000 Genomes Project 0.14157; gnomAD 0.14395; 1000 Genomes Project 30x 0.14756; TOPMed 0.15272.

Submissions (2):

Illumina Laboratory Services, Illumina
Classification: Benign for Epidermolysis bullosa simplex due to plakophilin deficiency. Last evaluated: 2018-01-12. Review status: criteria provided, single submitter. Criteria: ICSL Variant Classification Criteria 13 December 2019. Collection method: clinical testing. Allele origin: germline.
Comment: This variant was observed in the ICSL laboratory as part of a predisposition screen in an ostensibly healthy population. It had not been previously curated by ICSL or reported in the Human Gene Mutation Database (HGMD: prior to June 1st, 2018), and was therefore a candidate for classification through an automated scoring system. Utilizing variant allele frequency, disease prevalence and penetrance estimates, and inheritance mode, an automated score was calculated to assess if this variant is too frequent to cause the disease. Based on the score and internal cut-off values, a variant classified as benign is not then subjected to further curation. The score for this variant resulted in a classification of benign for this disease.

Breakthrough Genomics
Classification: Benign. Review status: criteria provided, single submitter. Criteria: ACMG Guidelines, 2015. Collection method: not provided. Allele origin: germline. Inheritance: Autosomal recessive inheritance. Affected: yes.

NM_001005337.3(PKP1):c.*222G>C

Gene: PKP1 (plakophilin 1; plus strand). Cytogenetic location: 1q32.1.
Variant type: single nucleotide variant.
Coding change: c.*222G>C on transcript NM_001005337.3 (MANE Select); 222 bases downstream of the stop codon, G replaced by C.
Molecular consequence: 3 prime UTR variant.
Genome position (GRCh38, 1-based): chr1:201,330,263, G>C. VCF-style: chr1-201330263-G-C. GRCh37 (hg19) VCF-style: chr1-201299391-G-C.
Other names: c.*222G>C (NM_000299.4).
Identifiers: ClinVar variation 294838 (VCV000294838.6), dbSNP rs7541805, ClinGen allele CA10609377.
Genomic context (GRCh38, chr1:201,330,263, plus strand): 5'-TTTAGATTTTTTTTTTCCTTGGGGAAACTGGCAGGCAATGGGGGTTAGGGAGGTTGGGGC[G>C]GTGGGGGCTTTCTTGAGTTAAAGGGGCTTATATGTGATGTCAATATTTCTTCCTCTGAGA-3'